The following is an entry in ClinVar:

ClinVar aggregate classification (germline): Uncertain significance (1 of 4 stars; one submission).

gnomAD v4.1: 2 of 1,613,586 alleles (0.00012%); highest among the groups gnomAD compares: African/African-American, 0.0013%; no homozygotes.

Submission:

Ambry Genetics
Classification: Uncertain significance. Last evaluated: 2025-11-14. Review status: criteria provided, single submitter. Criteria: Ambry Variant Classification Scheme 2023. Collection method: clinical testing. Allele origin: germline.
Comment: The p.G2D variant (also known as c.5G>A), located in coding exon 1 of the RAD51B gene, results from a G to A substitution at nucleotide position 5. The glycine at codon 2 is replaced by aspartic acid, an amino acid with similar properties. This amino acid position is not well conserved in available vertebrate species. In addition, this alteration is predicted to be tolerated by in silico analysis. The evidence for this gene-disease relationship is limited; therefore, the clinical significance of this alteration is unclear.

NM_133510.4(RAD51B):c.5G>A (p.Gly2Asp)

Gene: RAD51B (RAD51 paralog B; plus strand). Cytogenetic location: 14q24.1.
Variant type: single nucleotide variant.
Coding change: c.5G>A on transcript NM_133510.4 (MANE Select); coding-DNA position 5, G replaced by A.
Protein change: p.Gly2Asp; replaces glycine 2 with aspartic acid.
Molecular consequence: missense variant. On other transcripts: 5 prime UTR variant (1).
Genome position (GRCh38, 1-based): chr14:67,823,548, G>A. VCF-style: chr14-67823548-G-A. GRCh37 (hg19) VCF-style: chr14-68290265-G-A.
Other names: c.5G>A, p.Gly2Asp (NM_001321809.2, NM_001321810.2, NM_001321812.1 and 6 more transcripts); c.-451G>A (NM_001321817.2); short protein forms G2D.
Identifiers: ClinVar variation 4575268 (VCV004575268.1).
Genomic context (GRCh38, chr14:67,823,548, plus strand): 5'-TGTTATATTCTGTTGTTTTTTTCATGGTTCTTCTTTTCTTTGCTGGATCTGGAGGCATGG[G>A]TAGCAAGAAACTAAAACGAGTGGGTTTATCACAAGAGCTGTGTGACCGTCTGAGTAGACA-3'
Protein context (NP_598194.1, residues 1-12): M[Gly2Asp]SKKLKRVGLS